The following is an entry in ClinVar:

ClinVar aggregate classification (germline): Uncertain significance. Review status: criteria provided, multiple submitters, no conflicts (2 of 4 stars). 3 submissions from 3 submitters: Uncertain significance (3). Last evaluated 2025-05-20.

Conditions:
Hermansky-Pudlak syndrome 2 (HPS2). Also called: Platelet defects and oculocutaneous albinism. Identifiers: Orphanet 183678, Orphanet 79430, MedGen C1842362, MONDO:0011997, OMIM 608233.
Inborn genetic diseases. Identifiers: MedGen C0950123, MeSH D030342.

Allele frequency attached by ClinVar (database versions not stated): gnomAD exomes below 0.00001; ExAC 0.00001.
gnomAD v4.1: 1 of 1,605,470 alleles (0.000062%); highest among the groups gnomAD compares: Admixed American, 0.0017%; no homozygotes.

Submissions (3):

Mayo Clinic Laboratories, Mayo Clinic
Classification: Uncertain significance. Last evaluated: 2025-05-20. Review status: criteria provided, single submitter. Criteria: ACMG Guidelines, 2015. Collection method: clinical testing. Allele origin: germline. Observed: 1 variant allele.
Comment: BP4, PM2_supporting

Ambry Genetics
Classification: Uncertain significance for Inborn genetic diseases. Last evaluated: 2025-01-21. Review status: criteria provided, single submitter. Criteria: Ambry Variant Classification Scheme 2023. Collection method: clinical testing. Allele origin: germline.

Labcorp Genetics (formerly Invitae), Labcorp
Classification: Uncertain significance for Hermansky-Pudlak syndrome 2. Last evaluated: 2021-03-25. Review status: criteria provided, single submitter. Criteria: Invitae Variant Classification Sherloc (09022015). Collection method: clinical testing. Allele origin: germline.
Comment: In summary, the available evidence is currently insufficient to determine the role of this variant in disease. Therefore, it has been classified as a Variant of Uncertain Significance. Algorithms developed to predict the effect of missense changes on protein structure and function are either unavailable or do not agree on the potential impact of this missense change (SIFT: "Deleterious"; PolyPhen-2: "Benign"; Align-GVGD: "Class C0"). This variant has not been reported in the literature in individuals with AP3B1-related conditions. This variant is present in population databases (rs774128940, ExAC 0.009%). This sequence change replaces arginine with glycine at codon 347 of the AP3B1 protein (p.Arg347Gly). The arginine residue is moderately conserved and there is a moderate physicochemical difference between arginine and glycine.

NM_003664.5(AP3B1):c.1039A>G (p.Arg347Gly)

Gene: AP3B1 (adaptor related protein complex 3 subunit beta 1; minus strand). Cytogenetic location: 5q14.1.
Variant type: single nucleotide variant.
Coding change: c.1039A>G on transcript NM_003664.5 (MANE Select); coding-DNA position 1039, A replaced by G.
Protein change: p.Arg347Gly; replaces arginine 347 with glycine.
Molecular consequence: missense variant.
Genome position (GRCh38, 1-based): chr5:78,177,340, T>C on the plus strand (A>G on the coding strand, the complement: AP3B1 is on the minus strand). VCF-style: chr5-78177340-T-C. GRCh37 (hg19) VCF-style: chr5-77473164-T-C.
Other names: p.Arg347Gly; c.892A>G, p.Arg298Gly (NM_001271769.2); c.1039A>G (NM_003664.3, NM_003664.4); short protein forms R347G, R298G.
Identifiers: ClinVar variation 1353386 (VCV001353386.9), dbSNP rs774128940, ClinGen allele CA3317232.